The following is an entry in ClinVar:

ClinVar aggregate classification (germline): Uncertain significance (1 of 4 stars; one submission).

Conditions:
Ataxia-telangiectasia-like disorder 1 (ATLD1). Identifiers: Orphanet 251347, MedGen C4012790, MONDO:0024557, OMIM 604391.

Submission:

Labcorp Genetics (formerly Invitae), Labcorp
Classification: Uncertain significance for Ataxia-telangiectasia-like disorder. Last evaluated: 2018-01-05. Review status: criteria provided, single submitter. Criteria: Invitae Variant Classification Sherloc (09022015). Collection method: clinical testing. Allele origin: germline.
Comment: This variant is a gross deletion of the genomic region encompassing exons 17-20 of the MRE11 gene. The 5' boundary is likely confined to intron 16. The 3' end of this event is unknown as it extends through the termination codon beyond the assayed region for this gene and may encompass additional genes. While this deletion is not anticipated to result in nonsense mediated decay, it is expected to create a truncated protein product or disrupt mRNA translation. This variant has not been reported in the literature in individuals with MRE11-related disease. Deletion of exons 17-20 eliminates the second DNA binding domain of MRE11 protein (PMID: 24894818). This domain has been shown to be required for double-strand break formation during meiosis but not for repair of double-strand breaks (PMID: 9845372). In summary, the available evidence is currently insufficient to determine the role of this variant in disease. Therefore, it has been classified as a Variant of Uncertain Significance.

Literature cited by the submitters: PubMed 24894818; PubMed 9845372.

NC_000011.10:g.(?_94420119)_(94437241_?)del

Gene: MRE11 (MRE11 homolog, double strand break repair nuclease; minus strand). Cytogenetic location: 11q21.
Variant type: Deletion.
Identifiers: ClinVar variation 534782 (VCV000534782.3).